The following is an entry in ClinVar:

ClinVar aggregate classification (germline): Uncertain significance (1 of 4 stars; one submission).

Submission:

GeneDx
Classification: Uncertain significance. Last evaluated: 2026-03-16. Review status: criteria provided, single submitter. Criteria: GeneDx Variant Classification Process June 2021. Collection method: clinical testing. Allele origin: germline.
Comment: Not observed at significant frequency in large population cohorts (gnomAD); Nonsense variant predicted to result in protein truncation or nonsense mediated decay in a gene or region of a gene for which loss of function is not a well-established mechanism of disease; Has not been previously published as pathogenic or benign to our knowledge

NM_002253.4(KDR):c.1305C>G (p.Tyr435Ter)

Gene: KDR (kinase insert domain receptor; minus strand). Cytogenetic location: 4q12.
Variant type: single nucleotide variant.
Coding change: c.1305C>G on transcript NM_002253.4 (MANE Select); coding-DNA position 1305, C replaced by G.
Protein change: p.Tyr435Ter; replaces tyrosine 435 with a stop codon.
Molecular consequence: nonsense.
Genome position (GRCh38, 1-based): chr4:55,107,844, G>C on the plus strand (C>G on the coding strand, the complement: KDR is on the minus strand). VCF-style: chr4-55107844-G-C. GRCh37 (hg19) VCF-style: chr4-55974011-G-C.
Other names: short protein forms Y435*.
Identifiers: ClinVar variation 4527774 (VCV004527774.2).